The following is an entry in ClinVar:

ClinVar aggregate classification (germline): Pathogenic/Likely pathogenic. Review status: criteria provided, multiple submitters, no conflicts (2 of 4 stars). 5 submissions from 5 submitters: Pathogenic (2); Likely pathogenic (3). Last evaluated 2026-03-29.

Conditions:
ACE-related disorder. Also called: ACE-related condition; ACE-related disorders.
Microvascular complications of diabetes, susceptibility to, 3. Identifiers: MedGen C2675470, MONDO:0012963, OMIM 612624.
Hemorrhage, intracerebral, susceptibility to (ICH). Also called: Stroke, hemorrhagic, susceptibility to. Identifiers: MedGen C3281105, MONDO:0100533, OMIM 614519.
Renal tubular dysgenesis of genetic origin. Also called: PRIMITIVE RENAL TUBULE SYNDROME. Identifiers: Orphanet 97369, MedGen C5681536, MONDO:0009970, OMIM 267430.
Fetal anomalies with a likely genetic cause.

Submissions (5):

Genetics Laboratory, Great Ormond Street Hospital NHS Foundation Trust, North Thames Genomic Laboratory Hub
Classification: Likely pathogenic for Fetal anomalies with a likely genetic cause. Last evaluated: 2026-03-29. Review status: criteria provided, single submitter. Criteria: ACGS Best Practice Guidelines for Variant Classification in Rare Disease 2024 v1.2. Collection method: clinical testing. Allele origin: germline. Affected: yes.
Comment: PM2_moderate, PP1_moderate, PM3_moderate

Labcorp Genetics (formerly Invitae), Labcorp
Classification: Pathogenic. Last evaluated: 2025-05-13. Review status: criteria provided, single submitter. Criteria: Invitae Variant Classification Sherloc (09022015). Collection method: clinical testing. Allele origin: germline.
Comment: This variant, c.38_43del, results in the deletion of 2 amino acid(s) of the ACE protein (p.Leu13_Leu14del), but otherwise preserves the integrity of the reading frame. This variant is present in population databases (no rsID available, gnomAD 0.008%). This variant has been observed in individual(s) with clinical features of renal tubular dysgenesis (PMID: 22095942, 30071301, 32198635, 35286024). In at least one individual the data is consistent with being in trans (on the opposite chromosome) from a pathogenic variant. It has also been observed to segregate with disease in related individuals. Experimental studies and prediction algorithms are not available or were not evaluated, and the functional significance of this variant is currently unknown. For these reasons, this variant has been classified as Pathogenic.

Fulgent Genetics
Classification: Likely pathogenic for Renal tubular dysgenesis of genetic origin; Microvascular complications of diabetes, susceptibility to, 3; Hemorrhage, intracerebral, susceptibility to. Last evaluated: 2024-04-03. Review status: criteria provided, single submitter. Criteria: ACMG Guidelines, 2015. Collection method: clinical testing. Allele origin: germline.

Blueprint Genetics
Classification: Likely pathogenic for ACE-related disorders. Last evaluated: 2020-03-23. Review status: criteria provided, single submitter. Criteria: ACMG Guidelines, 2015. Collection method: clinical testing. Allele origin: germline. Affected: yes. Observed: 5 variant alleles.

CeGaT Center for Human Genetics Tuebingen
Classification: Pathogenic. Last evaluated: 2019-04-01. Review status: criteria provided, single submitter. Criteria: CeGaT Center For Human Genetics Tuebingen Variant Classification Criteria Version 2. Collection method: clinical testing. Allele origin: germline. Affected: yes. Observed: 2 variant alleles.

Literature cited by the submitters: PubMed 22095942 (cited by Labcorp Genetics (formerly Invitae), Labcorp); PubMed 30071301 (cited by Labcorp Genetics (formerly Invitae), Labcorp); PubMed 32198635 (cited by Labcorp Genetics (formerly Invitae), Labcorp); PubMed 35286024 (cited by Labcorp Genetics (formerly Invitae), Labcorp).

NM_000789.4(ACE):c.35TGC[1] (p.Leu13_Leu14del)

Gene: ACE (angiotensin I converting enzyme; plus strand). Cytogenetic location: 17q23.3.
Variant type: Microsatellite.
Coding change: c.35TGC[1] on transcript NM_000789.4 (MANE Select); one copy of the 3-base unit TGC starting at c.35; the reference has three copies in a row; two copies, 6 bases deleted; also written c.38_43del.
Protein change: p.Leu13_Leu14del.
Molecular consequence: inframe deletion. On other transcripts: 5 prime UTR variant (2).
Genome position (GRCh38, 1-based): chr17:63,477,132-63,477,137, TGCTGC deleted; deleting any 6 consecutive bases within chr17:63,477,127-63,477,137 gives the same sequence; the position shown is the placement nearest the transcript's 3' end. VCF-style (leftmost placement, unchanged base first): chr17-63477126-GGCTGCT-G. GRCh37 (hg19) VCF-style: chr17-61554487-GGCTGCT-G.
Other names: c.38_43del (NM_000789.4); c.-201TGC[1] (NM_001382700.1); c.-580TGC[1] (NM_001382701.1).
Identifiers: ClinVar variation 871758 (VCV000871758.47), dbSNP rs900084108, ClinGen allele CA292870249.